The following is an entry in ClinVar:

ClinVar aggregate classification (germline): Conflicting classifications of pathogenicity. Review status: criteria provided, conflicting classifications (1 of 4 stars). 3 submissions from 3 submitters: Uncertain significance (1); Likely benign (1). 1 of the submissions does not count toward it. Last evaluated 2025-07-13.

Conditions:
Retinal dystrophy. Also called: Inherited retinal dystrophy. Identifiers: Orphanet 71862, MedGen C0854723, MeSH D058499, MONDO:0019118, HP:0000556.
Bardet-Biedl syndrome (BBS). Identifiers: Orphanet 110, MedGen C0752166, MONDO:0015229.
BBS2-related disorder. Also called: BBS2-related condition; BBS2-related disorders. Identifiers: MedGen CN239228.

Allele frequency attached by ClinVar (database versions not stated): TOPMed below 0.00001; gnomAD 0.00001; gnomAD exomes 0.00001; ExAC 0.00002; 1000 Genomes Project 30x 0.00016; 1000 Genomes Project 0.00020.
gnomAD v4.1: 23 of 1,614,208 alleles (0.0014%); highest among the groups gnomAD compares: East Asian, 0.051%; no homozygotes.

Submissions (3):

Labcorp Genetics (formerly Invitae), Labcorp
Classification: Likely benign for Bardet-Biedl syndrome. Last evaluated: 2025-07-13. Review status: criteria provided, single submitter. Criteria: Invitae Variant Classification Sherloc (09022015). Collection method: clinical testing. Allele origin: germline.

Dept Of Ophthalmology, Nagoya University
Classification: Uncertain significance for Retinal dystrophy. Last evaluated: 2023-10-01. Review status: criteria provided, single submitter. Criteria: Submitter's publication. Collection method: research. Allele origin: germline. Affected: yes.

PreventionGenetics, part of Exact Sciences
Classification: Likely benign for BBS2-related condition. Last evaluated: 2023-07-22. Review status: no assertion criteria provided. Collection method: clinical testing. Allele origin: germline. Not counted in ClinVar's aggregate classification.
Comment: This variant is classified as likely benign based on ACMG/AMP sequence variant interpretation guidelines (Richards et al. 2015 PMID: 25741868, with internal and published modifications).

NM_031885.5(BBS2):c.945G>A (p.Arg315=)

Gene: BBS2 (Bardet-Biedl syndrome 2; minus strand). Cytogenetic location: 16q13.
Variant type: single nucleotide variant.
Coding change: c.945G>A on transcript NM_031885.5 (MANE Select); coding-DNA position 945, G replaced by A.
Protein change: p.Arg315=; no amino-acid change (arginine 315 retained).
Molecular consequence: synonymous variant. On other transcripts: non-coding transcript variant (5).
Genome position (GRCh38, 1-based): chr16:56,502,452, C>T on the plus strand (G>A on the coding strand, the complement: BBS2 is on the minus strand). VCF-style: chr16-56502452-C-T. GRCh37 (hg19) VCF-style: chr16-56536364-C-T.
Other names: c.945G>A, p.Arg315= (NM_001377456.1); c.945G>A (NM_031885.3).
Identifiers: ClinVar variation 1673106 (VCV001673106.10), dbSNP rs2288057, ClinGen allele CA8065858.